The following is an entry in ClinVar:

ClinVar aggregate classification (germline): Uncertain significance (1 of 4 stars; one submission).

Conditions:
Atypical hemolytic-uremic syndrome with I factor anomaly. Also called: HEMOLYTIC UREMIC SYNDROME, ATYPICAL, SUSCEPTIBILITY TO, 3; AHUS, SUSCEPTIBILITY TO, 3. Identifiers: Orphanet 2134, MedGen C2752039, MONDO:0013041, OMIM 612923.

Allele frequency attached by ClinVar (database versions not stated): gnomAD exomes below 0.00001.
gnomAD v4.1: 1 of 1,611,116 alleles (0.000062%); highest among the groups gnomAD compares: South Asian, 0.0011%; no homozygotes.

Submission:

MVZ Medizinische Genetik Mainz
Classification: Uncertain significance for Atypical hemolytic-uremic syndrome with I factor anomaly. Last evaluated: 2022-07-27. Review status: criteria provided, single submitter. Criteria: UK Practice Guidelines For Variant Classification V4 01 2020. Collection method: clinical testing. Allele origin: germline. Inheritance: Autosomal dominant inheritance. Affected: yes. Observed: 1 variant allele.
Comment: ACMG Criteria: PM1_SUP, PM2_SUP, BP4

NM_000204.5(CFI):c.1043T>C (p.Leu348Pro)

Gene: CFI (complement factor I; minus strand). Cytogenetic location: 4q25.
Variant type: single nucleotide variant.
Coding change: c.1043T>C on transcript NM_000204.5 (MANE Select); coding-DNA position 1043, T replaced by C.
Protein change: p.Leu348Pro; replaces leucine 348 with proline.
Molecular consequence: missense variant. On other transcripts: non-coding transcript variant (3).
Genome position (GRCh38, 1-based): chr4:109,749,500, A>G on the plus strand (T>C on the coding strand, the complement: CFI is on the minus strand). VCF-style: chr4-109749500-A-G. GRCh37 (hg19) VCF-style: chr4-110670656-A-G.
Other names: c.1067T>C, p.Leu356Pro (NM_001318057.2, NM_001375278.1); c.1022T>C, p.Leu341Pro (NM_001331035.2, NM_001375280.1, NM_001375282.1); c.1043T>C, p.Leu348Pro (NM_001375279.1, NM_001375281.1); c.986T>C, p.Leu329Pro (NM_001375283.1); c.434T>C, p.Leu145Pro (NM_001375284.1); short protein forms L145P, L329P, L341P, L348P, L356P.
Identifiers: ClinVar variation 3066223 (VCV003066223.1), dbSNP rs2545387580, ClinGen allele CA357858937.
Genomic context (GRCh38, chr4:109,749,500, plus strand): 5'-TCCCCCCAAATTTAGGCTGTTTCTGGGCAGTTGCATTGTGACTTTTCATGCGACTTTACC[A>G]GTTGTGCTCGCTTTCCTCCCACAATTCGTTTCCTTCGAATGTGCATTCTGTTTTTAACTC-3'
Protein context (NP_000195.3, residues 338-358): KRIVGGKRAQ[Leu348Pro]GDLPWQVAIK